The following is an entry in ClinVar:

ClinVar aggregate classification (germline): Uncertain significance (1 of 4 stars; one submission).

Allele frequency attached by ClinVar (database versions not stated): gnomAD exomes below 0.00001.
gnomAD v4.1: 1 of 1,613,934 alleles (0.000062%); highest among the groups gnomAD compares: Non-Finnish European, 0.000085%; no homozygotes.

Submission:

Labcorp Genetics (formerly Invitae), Labcorp
Classification: Uncertain significance. Last evaluated: 2022-04-22. Review status: criteria provided, single submitter. Criteria: Invitae Variant Classification Sherloc (09022015). Collection method: clinical testing. Allele origin: germline.
Comment: In summary, the available evidence is currently insufficient to determine the role of this variant in disease. Therefore, it has been classified as a Variant of Uncertain Significance. Algorithms developed to predict the effect of missense changes on protein structure and function output the following: SIFT: "Tolerated"; PolyPhen-2: "Benign"; Align-GVGD: "Class C0". The methionine amino acid residue is found in multiple mammalian species, which suggests that this missense change does not adversely affect protein function. This variant has not been reported in the literature in individuals affected with KIAA1549-related conditions. This variant is not present in population databases (gnomAD no frequency). This sequence change replaces valine, which is neutral and non-polar, with methionine, which is neutral and non-polar, at codon 412 of the KIAA1549 protein (p.Val412Met).

NM_001164665.2(KIAA1549):c.1234G>A (p.Val412Met)

Gene: KIAA1549 (KIAA1549; minus strand). Cytogenetic location: 7q34.
Variant type: single nucleotide variant.
Coding change: c.1234G>A on transcript NM_001164665.2 (MANE Select); coding-DNA position 1234, G replaced by A.
Protein change: p.Val412Met; replaces valine 412 with methionine.
Molecular consequence: missense variant.
Genome position (GRCh38, 1-based): chr7:138,918,392, C>T on the plus strand (G>A on the coding strand, the complement: KIAA1549 is on the minus strand). VCF-style: chr7-138918392-C-T. GRCh37 (hg19) VCF-style: chr7-138603138-C-T.
Other names: c.1234G>A, p.Val412Met (NM_020910.3); short protein forms V412M.
Identifiers: ClinVar variation 2129378 (VCV002129378.4), dbSNP rs2485559720, ClinGen allele CA369399426.